The following is an entry in ClinVar:

NM_000380.4(XPA):c.173-1G>A

Gene: XPA (XPA, DNA damage recognition and repair factor; minus strand). Cytogenetic location: 9q22.33.
Variant type: single nucleotide variant.
Coding change: c.173-1G>A on transcript NM_000380.4 (MANE Select); the canonical splice acceptor site of the intron before coding-DNA position 173, G replaced by A.
Molecular consequence: splice acceptor variant.
Genome position (GRCh38, 1-based): chr9:97,693,760, C>T on the plus strand (G>A on the coding strand, the complement: XPA is on the minus strand). VCF-style: chr9-97693760-C-T. GRCh37 (hg19) VCF-style: chr9-100456042-C-T.
Other names: c.47-1G>A (NM_001354975.2).
Identifiers: ClinVar variation 4879893 (VCV004879893.1).

ClinVar aggregate classification (germline): Likely pathogenic (1 of 4 stars; one submission).

Conditions:
Xeroderma pigmentosum group A (XPA). Also called: Xeroderma pigmentosum, complementation group A; XP, group A; XPA-Related Xeroderma Pigmentosum. Identifiers: Orphanet 910, MedGen C0268135, MONDO:0010210, OMIM 278700.

Submission:

Molecular Pathology, Metropolis Healthcare
Classification: Likely pathogenic for Xeroderma pigmentosum group A. Review status: criteria provided, single submitter. Criteria: ACMG Guidelines, 2015. Collection method: clinical testing. Allele origin: germline. Inheritance: Autosomal recessive inheritance. Observed: 1 variant allele, 1 heterozygote.
Comment: The variant is absent from population databases (gnomAD) and has not been previously reported in ClinVar. Multiple in silico splicing prediction tools, including SpliceAI, Human Splicing Finder, MaxEntScan, and MutationTaster, consistently predict disruption of the native splice acceptor site, suggesting an adverse effect on normal RNA splicing. Functional RNA studies were not available. According to the ACMG/AMP guidelines, this variant was classified as Likely Pathogenic based on PVS1_Strong (canonical ±1 splice acceptor variant predicted to result in loss of function in a gene where loss of function is an established disease mechanism) and PM2 (absent from population databases).

Literature cited by the submitters: PubMed 19339519.